The following is an entry in ClinVar:

ClinVar aggregate classification (germline): Pathogenic (1 of 4 stars; one submission).

Submission:

GeneDx
Classification: Pathogenic. Last evaluated: 2015-08-04. Review status: criteria provided, single submitter. Criteria: GeneDx Variant Classification (06012015). Collection method: clinical testing. Allele origin: germline. Affected: yes.
Comment: The c.1723delG deletion in the FOXP2 gene has not been reported previously as a pathogenic variant nor as a benign polymorphism, to our knowledge. The c.1723delG deletion causes a frameshiftstarting with codon Valine 575, changes this amino acid to a Tryptophan residue, and creates a prematureStop codon at position 4 of the new reading frame, denoted p.Val575TrpfsX4. This variant is predicted tocause loss of normal protein function either through protein truncation or nonsense-mediated mRNAdecay. The c.1723delG deletion was not observed in approximately 6,500 individuals of European andAfrican American ancestry in the NHLBI Exome Sequencing Project, indicating it is not a common benignvariant in these populations. Therefore, we interpret the c.1723delG variant as pathogenic.

NM_014491.4(FOXP2):c.1723del (p.Val575fs)

Gene: FOXP2 (forkhead box P2; plus strand). Cytogenetic location: 7q31.1.
Variant type: Deletion.
Coding change: c.1723del on transcript NM_014491.4 (MANE Select); coding-DNA position 1723, one base deleted (G; older notation c.1723delG).
Protein change: p.Val575fs; shifts the reading frame from valine 575.
Molecular consequence: frameshift variant. On other transcripts: non-coding transcript variant (2).
Genome position (GRCh38, 1-based): chr7:114,662,140, G deleted. VCF-style (leftmost placement, unchanged base first): chr7-114662139-TG-T. GRCh37 (hg19) VCF-style: chr7-114302194-TG-T.
Other names: c.1720del, p.Val574fs (NM_001172766.3); c.1798del, p.Val600fs (NM_148898.4); c.1774del, p.Val592fs (NM_148900.4); short protein forms V600fs, V592fs, V574fs, V575fs.
Identifiers: ClinVar variation 419394 (VCV000419394.2), dbSNP rs1064793842, ClinGen allele CA16618348.